The following is an entry in ClinVar:

ClinVar aggregate classification (germline): Uncertain significance (1 of 4 stars; one submission).

Conditions:
Autosomal dominant nonsyndromic hearing loss 12. Also called: DEAFNESS, AUTOSOMAL DOMINANT 8. Identifiers: Orphanet 90635, MedGen C1832187, MONDO:0011102, OMIM 601543.

gnomAD v4.1: 4 of 1,614,156 alleles (0.00025%); highest among the groups gnomAD compares: Non-Finnish European, 0.00034%; no homozygotes.

Submission:

Baylor Genetics
Classification: Uncertain significance for Autosomal dominant nonsyndromic hearing loss 12. Last evaluated: 2018-04-10. Review status: criteria provided, single submitter. Criteria: ACMG Guidelines, 2015. Collection method: clinical testing. Allele origin: maternal. Affected: yes.
Comment: This variant was determined to be of uncertain significance according to ACMG Guidelines, 2015 [PMID:25741868].

NM_005422.4(TECTA):c.1472G>T (p.Arg491Leu)

Genes: TBCEL-TECTA (TBCEL-TECTA readthrough; plus strand), TECTA (tectorin alpha; plus strand). Cytogenetic location: 11q23.3.
Variant type: single nucleotide variant.
Coding change: c.1472G>T on transcript NM_005422.4 (MANE Select); coding-DNA position 1472, G replaced by T.
Protein change: p.Arg491Leu; replaces arginine 491 with leucine.
Molecular consequence: missense variant.
Genome position (GRCh38, 1-based): chr11:121,125,570, G>T. VCF-style: chr11-121125570-G-T. GRCh37 (hg19) VCF-style: chr11-120996279-G-T.
Other names: c.2429G>T, p.Arg810Leu (NM_001378761.1); short protein forms R491L, R810L.
Identifiers: ClinVar variation 1032996 (VCV001032996.1), dbSNP rs760011660, ClinGen allele CA6326754.